The following is an entry in ClinVar:

ClinVar aggregate classification (germline): Uncertain significance (1 of 4 stars; one submission).

Submission:

Labcorp Genetics (formerly Invitae), Labcorp
Classification: Uncertain significance. Last evaluated: 2024-09-15. Review status: criteria provided, single submitter. Criteria: Invitae Variant Classification Sherloc (09022015). Collection method: clinical testing. Allele origin: germline.
Comment: This sequence change replaces methionine, which is neutral and non-polar, with valine, which is neutral and non-polar, at codon 143 of the PHEX protein (p.Met143Val). This variant is not present in population databases (gnomAD no frequency). This variant has not been reported in the literature in individuals affected with PHEX-related conditions. Invitae Evidence Modeling of protein sequence and biophysical properties (such as structural, functional, and spatial information, amino acid conservation, physicochemical variation, residue mobility, and thermodynamic stability) indicates that this missense variant is expected to disrupt PHEX protein function with a positive predictive value of 80%. In summary, the available evidence is currently insufficient to determine the role of this variant in disease. Therefore, it has been classified as a Variant of Uncertain Significance.

NM_000444.6(PHEX):c.427A>G (p.Met143Val)

Gene: PHEX (phosphate regulating endopeptidase X-linked; plus strand). Cytogenetic location: Xp22.11.
Variant type: single nucleotide variant.
Coding change: c.427A>G on transcript NM_000444.6 (MANE Select); coding-DNA position 427, A replaced by G.
Protein change: p.Met143Val; replaces methionine 143 with valine.
Molecular consequence: missense variant.
Genome position (GRCh38, 1-based): chrX:22,076,465, A>G. VCF-style: chrX-22076465-A-G. GRCh37 (hg19) VCF-style: chrX-22094583-A-G.
Other names: c.427A>G, p.Met143Val (NM_001282754.2); short protein forms M143V.
Identifiers: ClinVar variation 3688586 (VCV003688586.2).